The following is an entry in ClinVar:

ClinVar aggregate classification (germline): Conflicting classifications of pathogenicity. Review status: criteria provided, conflicting classifications (1 of 4 stars). 4 submissions from 4 submitters: Uncertain significance (2); Likely benign (1). 1 of the submissions does not count toward it. Last evaluated 2025-11-09.

Conditions:
Cardiovascular phenotype. Identifiers: MedGen CN230736.
Legius syndrome. Identifiers: Orphanet 137605, MedGen C1969623, MONDO:0012669, OMIM 611431. Disease mechanism: loss of function.
Noonan syndrome (NS). Also called: Noonan's syndrome. Identifiers: Orphanet 648, MedGen C0028326, MeSH D009634, MONDO:0018997. Disease mechanism: gain of function.

Allele frequency attached by ClinVar (database versions not stated): gnomAD 0.00003.
gnomAD v4.1: 21 of 1,613,936 alleles (0.0013%); highest among the groups gnomAD compares: Admixed American, 0.0067%; no homozygotes.

Submissions (4):

Labcorp Genetics (formerly Invitae), Labcorp
Classification: Uncertain significance for Legius syndrome. Last evaluated: 2025-11-09. Review status: criteria provided, single submitter. Criteria: Invitae Variant Classification Sherloc (09022015). Collection method: clinical testing. Allele origin: germline.
Comment: This sequence change replaces serine, which is neutral and polar, with asparagine, which is neutral and polar, at codon 279 of the SPRED1 protein (p.Ser279Asn). This variant is present in population databases (no rsID available, gnomAD 0.0009%). This variant has not been reported in the literature in individuals affected with SPRED1-related conditions. ClinVar contains an entry for this variant (Variation ID: 981597). Invitae Evidence Modeling incorporating data from in vitro experimental studies (internal data) indicates that this missense variant is not expected to disrupt SPRED1 function with a negative predictive value of 95%. In summary, the available evidence is currently insufficient to determine the role of this variant in disease. Therefore, it has been classified as a Variant of Uncertain Significance.

Ambry Genetics
Classification: Likely benign for Cardiovascular phenotype. Last evaluated: 2025-01-09. Review status: criteria provided, single submitter. Criteria: Ambry Variant Classification Scheme 2023. Collection method: clinical testing. Allele origin: germline.

GeneDx
Classification: Uncertain significance. Last evaluated: 2024-01-04. Review status: criteria provided, single submitter. Criteria: GeneDx Variant Classification Process June 2021. Collection method: clinical testing. Allele origin: germline. Affected: yes.
Comment: In silico analysis supports that this missense variant does not alter protein structure/function; Has not been previously published as pathogenic or benign to our knowledge

Service de Génétique Moléculaire, Hôpital Robert Debré
Classification: Uncertain significance for Noonan syndrome. Review status: no assertion criteria provided. Collection method: clinical testing. Allele origin: unknown. Affected: yes. Not counted in ClinVar's aggregate classification.

NM_152594.3(SPRED1):c.836G>A (p.Ser279Asn)

Gene: SPRED1 (sprouty related EVH1 domain containing 1; plus strand). Cytogenetic location: 15q14.
Variant type: single nucleotide variant.
Coding change: c.836G>A on transcript NM_152594.3 (MANE Select); coding-DNA position 836, G replaced by A.
Protein change: p.Ser279Asn; replaces serine 279 with asparagine.
Molecular consequence: missense variant.
Genome position (GRCh38, 1-based): chr15:38,351,165, G>A. VCF-style: chr15-38351165-G-A. GRCh37 (hg19) VCF-style: chr15-38643366-G-A.
Other names: short protein forms S279N.
Identifiers: ClinVar variation 981597 (VCV000981597.9), dbSNP rs904563789, ClinGen allele CA269293447.